The following is an entry in ClinVar:

NM_000051.4(ATM):c.2587G>C (p.Asp863His)

Gene: ATM (ATM serine/threonine kinase; plus strand). Cytogenetic location: 11q22.3.
Variant type: single nucleotide variant.
Coding change: c.2587G>C on transcript NM_000051.4 (MANE Select); coding-DNA position 2587, G replaced by C.
Protein change: p.Asp863His; replaces aspartic acid 863 with histidine.
Molecular consequence: missense variant.
Genome position (GRCh38, 1-based): chr11:108,267,291, G>C. VCF-style: chr11-108267291-G-C. GRCh37 (hg19) VCF-style: chr11-108138018-G-C.
Other names: c.2587G>C, p.Asp863His (NM_001351834.2); short protein forms D863H.
Identifiers: ClinVar variation 1171121 (VCV001171121.7), dbSNP rs2135508489, ClinGen allele CA382543989.
Genomic context (GRCh38, chr11:108,267,291, plus strand): 5'-AATGGAAATCTAATGGAGGTGGAGGATCAGTCATCCATGAATCTATTTAACGATTACCCT[G>C]ATAGTAGTGTTAGTGATGCAAACGAACCTGGAGAGAGCCAAAGTACCATAGGTAAATACA-3'
Protein context (NP_000042.3, residues 853-873): SSMNLFNDYP[Asp863His]SSVSDANEPG

ClinVar aggregate classification (germline): Uncertain significance. Review status: criteria provided, multiple submitters, no conflicts (2 of 4 stars). 2 submissions from 2 submitters: Uncertain significance (2). Last evaluated 2025-03-16.

Conditions:
Ataxia-telangiectasia syndrome (AT). Also called: Ataxia telangiectasia (A-T); ATAXIA-TELANGIECTASIA, COMPLEMENTATION GROUP A; ATAXIA-TELANGIECTASIA, FRESNO VARIANT; Ataxia-telangiectasia, complementation group D; AT, COMPLEMENTATION GROUP C; Ataxia-telangiectasia, complementation group E. Identifiers: Orphanet 100, MedGen C0004135, MONDO:0008840, OMIM 208900.
Hereditary cancer-predisposing syndrome. Also called: Hereditary neoplastic syndrome; Neoplastic Syndromes, Hereditary; Hereditary Cancer Syndrome; Tumor predisposition. Identifiers: Orphanet 140162, MedGen C0027672, MeSH D009386, MONDO:0015356.

Submissions (2):

Labcorp Genetics (formerly Invitae), Labcorp
Classification: Uncertain significance for Ataxia-telangiectasia syndrome. Last evaluated: 2025-03-16. Review status: criteria provided, single submitter. Criteria: Invitae Variant Classification Sherloc (09022015). Collection method: clinical testing. Allele origin: germline.
Comment: This sequence change replaces aspartic acid, which is acidic and polar, with histidine, which is basic and polar, at codon 863 of the ATM protein (p.Asp863His). This variant is not present in population databases (gnomAD no frequency). This variant has not been reported in the literature in individuals affected with ATM-related conditions. ClinVar contains an entry for this variant (Variation ID: 1171121). Invitae Evidence Modeling of protein sequence and biophysical properties (such as structural, functional, and spatial information, amino acid conservation, physicochemical variation, residue mobility, and thermodynamic stability) indicates that this missense variant is not expected to disrupt ATM protein function with a negative predictive value of 95%. In summary, the available evidence is currently insufficient to determine the role of this variant in disease. Therefore, it has been classified as a Variant of Uncertain Significance.

Color Diagnostics, LLC DBA Color Health
Classification: Uncertain significance for Hereditary cancer-predisposing syndrome. Last evaluated: 2020-10-06. Review status: criteria provided, single submitter. Criteria: ACMG Guidelines, 2015. Collection method: clinical testing. Allele origin: germline.
Comment: This missense variant replaces aspartic acid with histidine at codon 863 of the ATM protein. Computational prediction suggests that this variant may not impact protein structure and function (internally defined REVEL score threshold <= 0.5, PMID: 27666373). To our knowledge, functional studies have not been reported for this variant. This variant has not been reported in individuals affected with hereditary cancer in the literature. This variant has not been identified in the general population by the Genome Aggregation Database (gnomAD). The available evidence is insufficient to determine the role of this variant in disease conclusively. Therefore, this variant is classified as a Variant of Uncertain Significance.